The following is an entry in ClinVar:

NM_003906.5(MCM3AP):c.3811G>C (p.Asp1271His)

Gene: MCM3AP (minichromosome maintenance complex component 3 associated protein; minus strand). Cytogenetic location: 21q22.3.
Variant type: single nucleotide variant.
Coding change: c.3811G>C on transcript NM_003906.5 (MANE Select); coding-DNA position 3811, G replaced by C.
Protein change: p.Asp1271His; replaces aspartic acid 1271 with histidine.
Molecular consequence: missense variant.
Genome position (GRCh38, 1-based): chr21:46,256,910, C>G on the plus strand (G>C on the coding strand, the complement: MCM3AP is on the minus strand). VCF-style: chr21-46256910-C-G. GRCh37 (hg19) VCF-style: chr21-47676824-C-G.
Other names: short protein forms D1271H.
Identifiers: ClinVar variation 1716089 (VCV001716089.5), dbSNP rs2517361909, ClinGen allele CA410551198.

ClinVar aggregate classification (germline): Uncertain significance (1 of 4 stars; one submission).

Submission:

Labcorp Genetics (formerly Invitae), Labcorp
Classification: Uncertain significance. Last evaluated: 2022-07-23. Review status: criteria provided, single submitter. Criteria: Invitae Variant Classification Sherloc (09022015). Collection method: clinical testing. Allele origin: germline.
Comment: In summary, the available evidence is currently insufficient to determine the role of this variant in disease. Therefore, it has been classified as a Variant of Uncertain Significance. Algorithms developed to predict the effect of missense changes on protein structure and function are either unavailable or do not agree on the potential impact of this missense change (SIFT: "Deleterious"; PolyPhen-2: "Possibly Damaging"; Align-GVGD: "Class C15"). This variant has not been reported in the literature in individuals affected with MCM3AP-related conditions. This variant is not present in population databases (gnomAD no frequency). This sequence change replaces aspartic acid, which is acidic and polar, with histidine, which is basic and polar, at codon 1271 of the MCM3AP protein (p.Asp1271His).